The following is an entry in ClinVar:

NM_001367624.2(ZNF469):c.3673G>A (p.Ala1225Thr)

Gene: ZNF469 (zinc finger protein 469; plus strand). Cytogenetic location: 16q24.2.
Variant type: single nucleotide variant.
Coding change: c.3673G>A on transcript NM_001367624.2 (MANE Select); coding-DNA position 3673, G replaced by A.
Protein change: p.Ala1225Thr; replaces alanine 1225 with threonine.
Molecular consequence: missense variant.
Genome position (GRCh38, 1-based): chr16:88,431,143, G>A. VCF-style: chr16-88431143-G-A. GRCh37 (hg19) VCF-style: chr16-88497551-G-A.
Other names: short protein forms A1225T.
Identifiers: ClinVar variation 5039713 (VCV005039713.1).

ClinVar aggregate classification (germline): Uncertain significance (1 of 4 stars; one submission).

gnomAD v4.1: 3 of 1,550,226 alleles (0.00019%); highest among the groups gnomAD compares: East Asian, 0.0024%; no homozygotes.

Submission:

CeGaT Center for Human Genetics Tuebingen
Classification: Uncertain significance. Last evaluated: 2026-07-01. Review status: criteria provided, single submitter. Criteria: CeGaT Center For Human Genetics Tuebingen Variant Classification Criteria Version 2. Collection method: clinical testing. Allele origin: germline. Affected: yes. Observed: 1 variant allele.
Comment: ZNF469: PM2, BP4